The following is an entry in ClinVar:

NM_001378452.1(ITPR1):c.1757G>A (p.Gly586Asp)

Gene: ITPR1 (inositol 1,4,5-trisphosphate receptor type 1; plus strand). Cytogenetic location: 3p26.1.
Variant type: single nucleotide variant.
Coding change: c.1757G>A on transcript NM_001378452.1 (MANE Select); coding-DNA position 1757, G replaced by A.
Protein change: p.Gly586Asp; replaces glycine 586 with aspartic acid.
Molecular consequence: missense variant.
Genome position (GRCh38, 1-based): chr3:4,667,420, G>A. VCF-style: chr3-4667420-G-A. GRCh37 (hg19) VCF-style: chr3-4709104-G-A.
Other names: c.1757G>A, p.Gly586Asp (NM_001099952.4); c.1712G>A, p.Gly571Asp (NM_001168272.2, NM_002222.7); short protein forms G571D, G586D.
Identifiers: ClinVar variation 4854047 (VCV004854047.1).

ClinVar aggregate classification (germline): Uncertain significance (1 of 4 stars; one submission).

Conditions:
Gillespie syndrome (GLSP). Also called: Aniridia-cerebellar ataxia-intellectual disability syndrome; Aniridia, cerebellar ataxia, and mental deficiency. Identifiers: Orphanet 1065, MedGen C0431401, MONDO:0008795, OMIM 206700.

Submission:

3billion
Classification: Uncertain significance for Gillespie syndrome. Last evaluated: 2025-06-25. Review status: criteria provided, single submitter. Criteria: ACMG Guidelines, 2015. Collection method: clinical testing. Allele origin: germline. Affected: yes.
Comment: The variant is not observed in the gnomAD v4.1.0 dataset. Predicted Consequence/Location: Missense variant. Missense changes are a common disease-causing mechanism. In silico tool predictions suggest damaging effect of the variant on gene or gene product [REVEL: 0.82 (>=0.6, sensitivity 0.68 and specificity 0.92); 3Cnet: 0.97 (> 0.75, sensitivity 0.96 and precision 0.92)]. Therefore, this variant is classified as VUS according to the recommendation of ACMG/AMP guideline.